The following is an entry in ClinVar:

ClinVar aggregate classification (germline): Uncertain significance (1 of 4 stars; one submission).

Conditions:
Hyperekplexia 2 (HKPX2). Identifiers: Orphanet 3197, MedGen C3553291, MONDO:0013828, OMIM 614619.

Allele frequency attached by ClinVar (database versions not stated): gnomAD exomes below 0.00001.
gnomAD v4.1: 2 of 1,613,336 alleles (0.00012%); highest among the groups gnomAD compares: Admixed American, 0.0033%; no homozygotes.

Submission:

Labcorp Genetics (formerly Invitae), Labcorp
Classification: Uncertain significance for Hyperekplexia 2. Last evaluated: 2022-07-11. Review status: criteria provided, single submitter. Criteria: Invitae Variant Classification Sherloc (09022015). Collection method: clinical testing. Allele origin: germline.
Comment: This sequence change replaces lysine, which is basic and polar, with asparagine, which is neutral and polar, at codon 457 of the GLRB protein (p.Lys457Asn). This variant is not present in population databases (gnomAD no frequency). This variant has not been reported in the literature in individuals affected with GLRB-related conditions. ClinVar contains an entry for this variant (Variation ID: 1432718). Advanced modeling of protein sequence and biophysical properties (such as structural, functional, and spatial information, amino acid conservation, physicochemical variation, residue mobility, and thermodynamic stability) performed at Invitae indicates that this missense variant is not expected to disrupt GLRB protein function. In summary, the available evidence is currently insufficient to determine the role of this variant in disease. Therefore, it has been classified as a Variant of Uncertain Significance.

NM_000824.5(GLRB):c.1371G>C (p.Lys457Asn)

Gene: GLRB (glycine receptor beta; plus strand). Cytogenetic location: 4q32.1.
Variant type: single nucleotide variant.
Coding change: c.1371G>C on transcript NM_000824.5 (MANE Select); coding-DNA position 1371, G replaced by C.
Protein change: p.Lys457Asn; replaces lysine 457 with asparagine.
Molecular consequence: missense variant. On other transcripts: 3 prime UTR variant (1).
Genome position (GRCh38, 1-based): chr4:157,170,605, G>C. VCF-style: chr4-157170605-G-C. GRCh37 (hg19) VCF-style: chr4-158091757-G-C.
Other names: c.1371G>C, p.Lys457Asn (NM_001166060.2); c.*166G>C (NM_001166061.2); short protein forms K457N.
Identifiers: ClinVar variation 1432718 (VCV001432718.3), dbSNP rs2126637895, ClinGen allele CA358645251.
Genomic context (GRCh38, chr4:157,170,605, plus strand): 5'-CTATGGAAAACCCATTGAAGTTAACAACGGACTTGGGAAATCTCAGGCTAAGAACAACAA[G>C]AAGCCTCCCCCTGCGAAACCTGTTATTCCAACAGCAGCAAAGCGAATTGATCTTTATGCA-3'
Protein context (NP_000815.1, residues 447-467): GLGKSQAKNN[Lys457Asn]KPPPAKPVIP